The following is an entry in ClinVar:

NM_000051.4(ATM):c.6674C>T (p.Ala2225Val)

Genes: ATM (ATM serine/threonine kinase; plus strand), C11orf65 (chromosome 11 open reading frame 65; minus strand). Cytogenetic location: 11q22.3.
Variant type: single nucleotide variant.
Coding change: c.6674C>T on transcript NM_000051.4 (MANE Select); coding-DNA position 6674, C replaced by T.
Protein change: p.Ala2225Val; replaces alanine 2225 with valine.
Molecular consequence: missense variant. On other transcripts: intron variant (2).
Genome position (GRCh38, 1-based): chr11:108,325,411, C>T. VCF-style: chr11-108325411-C-T. GRCh37 (hg19) VCF-style: chr11-108196138-C-T.
Other names: c.6674C>T, p.Ala2225Val (NM_001351834.2); c.641-16340G>A (NM_001330368.2); c.*38+9809G>A (NM_001351110.2); short protein forms A2225V.
Identifiers: ClinVar variation 1754812 (VCV001754812.2), dbSNP rs2136312146, ClinGen allele CA382554875.

ClinVar aggregate classification (germline): Uncertain significance (1 of 4 stars; one submission).

Conditions:
Hereditary cancer-predisposing syndrome. Also called: Hereditary neoplastic syndrome; Neoplastic Syndromes, Hereditary; Tumor predisposition; Hereditary Cancer Syndrome. Identifiers: Orphanet 140162, MedGen C0027672, MeSH D009386, MONDO:0015356.

Allele frequency attached by ClinVar (database versions not stated): gnomAD exomes below 0.00001.
gnomAD v4.1: 2 of 1,613,790 alleles (0.00012%); highest among the groups gnomAD compares: Non-Finnish European, 0.00017%; no homozygotes.

Submission:

Ambry Genetics
Classification: Uncertain significance for Hereditary cancer-predisposing syndrome. Last evaluated: 2022-09-25. Review status: criteria provided, single submitter. Criteria: Ambry Variant Classification Scheme 2023. Collection method: clinical testing. Allele origin: germline.
Comment: The p.A2225V variant (also known as c.6674C>T), located in coding exon 45 of the ATM gene, results from a C to T substitution at nucleotide position 6674. The alanine at codon 2225 is replaced by valine, an amino acid with similar properties. This amino acid position is conserved. In addition, the in silico prediction for this alteration is inconclusive. Since supporting evidence is limited at this time, the clinical significance of this alteration remains unclear.